The following is an entry in ClinVar:

NM_001429.4(EP300):c.5169C>T (p.Ala1723=)

Gene: EP300 (EP300 lysine acetyltransferase; plus strand). Cytogenetic location: 22q13.2.
Variant type: single nucleotide variant.
Coding change: c.5169C>T on transcript NM_001429.4 (MANE Select); coding-DNA position 5169, C replaced by T.
Protein change: p.Ala1723=; no amino-acid change (alanine 1723 retained).
Molecular consequence: synonymous variant.
Genome position (GRCh38, 1-based): chr22:41,176,880, C>T. VCF-style: chr22-41176880-C-T. GRCh37 (hg19) VCF-style: chr22-41572884-C-T.
Other names: c.5169C>T (NM_001429.3); c.5091C>T, p.Ala1697= (NM_001362843.2).
Identifiers: ClinVar variation 2730059 (VCV002730059.5), dbSNP rs372604824, ClinGen allele CA10253606.
Genomic context (GRCh38, chr22:41,176,880, plus strand): 5'-CAAAATGGAGAAACTAGGCCTTGGCTTAGATGATGAGAGCAACAACCAGCAGGCTGCAGC[C>T]ACCCAGAGCCCAGGCGATTCTCGCCGCCTGAGTATCCAGCGCTGCATCCAGTCTCTGGTC-3'
Protein context (NP_001420.2, residues 1713-1733): DDESNNQQAA[Ala1723=]TQSPGDSRRL

ClinVar aggregate classification (germline): Likely benign. Review status: criteria provided, single submitter (1 of 4 stars). 2 submissions from 2 submitters: Likely benign (1). 1 of the submissions does not count toward it. Last evaluated 2025-10-10.

Conditions:
Rubinstein-Taybi syndrome due to EP300 haploinsufficiency. Also called: RUBINSTEIN-TAYBI SYNDROME 2; EP300-Related Rubinstein-Taybi Syndrome. Identifiers: Orphanet 353284, Orphanet 783, MedGen C3150941, MONDO:0013364, OMIM 613684.
EP300-related disorder. Also called: EP300-related condition; EP300-related disorders.

Allele frequency attached by ClinVar (database versions not stated): gnomAD exomes 0.00003; ExAC 0.00005; ESP Exome Variant Server 0.00008; TOPMed 0.00008; gnomAD 0.00009; 1000 Genomes Project 30x 0.00016; 1000 Genomes Project 0.00020.
gnomAD v4.1: 54 of 1,614,114 alleles (0.0033%); highest among the groups gnomAD compares: African/African-American, 0.02%; no homozygotes.

Submissions (2):

Labcorp Genetics (formerly Invitae), Labcorp
Classification: Likely benign for Rubinstein-Taybi syndrome due to EP300 haploinsufficiency. Last evaluated: 2025-10-10. Review status: criteria provided, single submitter. Criteria: Invitae Variant Classification Sherloc (09022015). Collection method: clinical testing. Allele origin: germline.

PreventionGenetics, part of Exact Sciences
Classification: Likely benign for EP300-related condition. Last evaluated: 2023-03-30. Review status: no assertion criteria provided. Collection method: clinical testing. Allele origin: germline. Not counted in ClinVar's aggregate classification.
Comment: This variant is classified as likely benign based on ACMG/AMP sequence variant interpretation guidelines (Richards et al. 2015 PMID: 25741868, with internal and published modifications).